The following is an entry in ClinVar:

NM_001378454.1(ALMS1):c.10484A>G (p.Asp3495Gly)

Gene: ALMS1 (ALMS1 centrosome and basal body associated protein; plus strand). Cytogenetic location: 2p13.1.
Variant type: single nucleotide variant.
Coding change: c.10484A>G on transcript NM_001378454.1 (MANE Select); coding-DNA position 10484, A replaced by G.
Protein change: p.Asp3495Gly; replaces aspartic acid 3495 with glycine.
Molecular consequence: missense variant.
Genome position (GRCh38, 1-based): chr2:73,572,361, A>G. VCF-style: chr2-73572361-A-G. GRCh37 (hg19) VCF-style: chr2-73799488-A-G.
Other names: c.10487A>G, p.Asp3496Gly (NM_015120.4); short protein forms D3495G, D3496G.
Identifiers: ClinVar variation 4842272 (VCV004842272.1).
Genomic context (GRCh38, chr2:73,572,361, plus strand): 5'-CTGTCTTCAGGTCAGCAAAGTTTTACATTCATCATCCCGTACACCTACCAAGTGATCAAG[A>G]TATTTGCCATGAATCTTTGGGAAAGAGTGTTTTCATGAGACATTCTTGGAAAGATTTCTT-3'
Protein context (NP_001365383.1, residues 3485-3505): HHPVHLPSDQ[Asp3495Gly]ICHESLGKSV

ClinVar aggregate classification (germline): Uncertain significance (1 of 4 stars; one submission).

Conditions:
Cardiovascular phenotype. Identifiers: MedGen CN230736.

gnomAD v4.1: 2 of 1,609,192 alleles (0.00012%); highest among the groups gnomAD compares: Admixed American, 0.0034%; no homozygotes.

Submission:

Ambry Genetics
Classification: Uncertain significance for Cardiovascular phenotype. Last evaluated: 2025-12-17. Review status: criteria provided, single submitter. Criteria: Ambry Variant Classification Scheme 2023. Collection method: clinical testing. Allele origin: germline.
Comment: The p.D3496G variant (also known as c.10487A>G), located in coding exon 16 of the ALMS1 gene, results from an A to G substitution at nucleotide position 10487. The aspartic acid at codon 3496 is replaced by glycine, an amino acid with similar properties. This amino acid position is highly conserved in available vertebrate species. In addition, the in silico prediction for this alteration is inconclusive. Based on the available evidence, the clinical significance of this variant remains unclear.